The following is an entry in ClinVar:

ClinVar aggregate classification (germline): Pathogenic/Likely pathogenic. Review status: criteria provided, multiple submitters, no conflicts (2 of 4 stars). 3 submissions from 3 submitters: Pathogenic (1); Likely pathogenic (1). 1 of the submissions does not count toward it. Last evaluated 2022-02-09.

Conditions:
WHRN-related disorder. Also called: WHRN-related condition.
Usher syndrome type 2D. Also called: USHER SYNDROME, TYPE IID. Identifiers: Orphanet 231178, Orphanet 886, MedGen C1568249, MONDO:0012662, OMIM 611383.

Submissions (3):

Labcorp Genetics (formerly Invitae), Labcorp
Classification: Pathogenic. Last evaluated: 2022-02-09. Review status: criteria provided, single submitter. Criteria: Invitae Variant Classification Sherloc (09022015). Collection method: clinical testing. Allele origin: germline.
Comment: For these reasons, this variant has been classified as Pathogenic. ClinVar contains an entry for this variant (Variation ID: 31705). This premature translational stop signal has been observed in individual(s) with Usher syndrome (PMID: 22147658). This variant is not present in population databases (gnomAD no frequency). This sequence change creates a premature translational stop signal (p.Tyr228Leufs*37) in the WHRN gene. It is expected to result in an absent or disrupted protein product. Loss-of-function variants in WHRN are known to be pathogenic (PMID: 12833159, 15841483, 22147658).

Blueprint Genetics
Classification: Likely pathogenic for WHRN-related disorders. Last evaluated: 2018-12-17. Review status: criteria provided, single submitter. Criteria: ACMG Guidelines, 2015. Collection method: clinical testing. Allele origin: germline. Affected: yes. Observed: 1 variant allele.

OMIM
Classification: Pathogenic for USHER SYNDROME, TYPE IID. Last evaluated: 2012-03-01. Review status: no assertion criteria provided. Collection method: literature only. Allele origin: germline. Not counted in ClinVar's aggregate classification.

Literature cited by the submitters: PubMed 22147658 (cited by Labcorp Genetics (formerly Invitae), Labcorp and OMIM); PubMed 12833159 (cited by Labcorp Genetics (formerly Invitae), Labcorp); PubMed 15841483 (cited by Labcorp Genetics (formerly Invitae), Labcorp).

NM_015404.4(WHRN):c.680dup (p.Tyr228fs)

Gene: WHRN (whirlin; minus strand). Cytogenetic location: 9q32.
Variant type: Duplication.
Coding change: c.680dup on transcript NM_015404.4 (MANE Select); coding-DNA position 680, one base duplicated (G; older notation c.680dupG).
Protein change: p.Tyr228fs; shifts the reading frame from tyrosine 228.
Molecular consequence: frameshift variant. On other transcripts: 5 prime UTR variant (1).
Genome position (GRCh38, 1-based): chr9:114,478,710, C duplicated on the plus strand (G on the coding strand, the reverse complement: WHRN is on the minus strand); the first of 5 consecutive C bases (chr9:114,478,710-114,478,714); duplicating any one gives the same sequence. VCF-style (leftmost placement, unchanged base first): chr9-114478709-G-GC. GRCh37 (hg19) VCF-style: chr9-117240989-G-GC.
Other names: c.-470dup (NM_001083885.3); c.680dup, p.Tyr228fs (NM_001173425.2); short protein forms Y228fs.
Identifiers: ClinVar variation 31705 (VCV000031705.7), dbSNP rs1306987034, ClinGen allele CA913185086.